The following is an entry in ClinVar:

NM_004991.4(MECOM):c.2659C>G (p.Pro887Ala)

Gene: MECOM (MDS1 and EVI1 complex locus; minus strand). Cytogenetic location: 3q26.2.
Variant type: single nucleotide variant.
Coding change: c.2659C>G on transcript NM_004991.4 (MANE Select); coding-DNA position 2659, C replaced by G.
Protein change: p.Pro887Ala; replaces proline 887 with alanine.
Molecular consequence: missense variant.
Genome position (GRCh38, 1-based): chr3:169,102,172, G>C on the plus strand (C>G on the coding strand, the complement: MECOM is on the minus strand). VCF-style: chr3-169102172-G-C. GRCh37 (hg19) VCF-style: chr3-168819960-G-C.
Other names: c.2290C>G, p.Pro764Ala (NM_001105077.4); c.2095C>G, p.Pro699Ala (NM_001105078.4, NM_001205194.2, NM_001366469.2 and 1 more transcripts); c.2071C>G, p.Pro691Ala (NM_001163999.2, NM_001366470.2); c.2068C>G, p.Pro690Ala (NM_001164000.2, NM_001366471.2, NM_001366472.2); c.2632C>G, p.Pro878Ala (NM_001366466.2); c.2098C>G, p.Pro700Ala (NM_001366467.2, NM_001366468.2); c.1660C>G, p.Pro554Ala (NM_001366473.2); c.1096C>G, p.Pro366Ala (NM_001366474.2); short protein forms P366A, P554A, P690A, P691A, P699A, P700A, P764A, P878A.
Identifiers: ClinVar variation 4859735 (VCV004859735.1).

ClinVar aggregate classification (germline): Uncertain significance (1 of 4 stars; one submission).

Conditions:
Inborn genetic diseases. Identifiers: MedGen C0950123, MeSH D030342.

gnomAD v4.1: 2 of 1,613,880 alleles (0.00012%); highest among the groups gnomAD compares: Non-Finnish European, 0.00017%; no homozygotes.

Submission:

Ambry Genetics
Classification: Uncertain significance for Inborn genetic diseases. Last evaluated: 2026-04-16. Review status: criteria provided, single submitter. Criteria: Ambry Variant Classification Scheme 2023. Collection method: clinical testing. Allele origin: germline.
Comment: The p.P887A variant (also known as c.2659C>G), located in coding exon 11 of the MECOM gene, results from a C to G substitution at nucleotide position 2659. The proline at codon 887 is replaced by alanine, an amino acid with highly similar properties. This amino acid position is conserved. In addition, this alteration is predicted to be tolerated by in silico analysis. Based on the available evidence, the clinical significance of this variant remains unclear.